The following is an entry in ClinVar:

NM_000089.4(COL1A2):c.931G>T (p.Ala311Ser)

Gene: COL1A2 (collagen type I alpha 2 chain; plus strand). Cytogenetic location: 7q21.3.
Variant type: single nucleotide variant.
Coding change: c.931G>T on transcript NM_000089.4 (MANE Select); coding-DNA position 931, G replaced by T.
Protein change: p.Ala311Ser; replaces alanine 311 with serine.
Molecular consequence: missense variant.
Genome position (GRCh38, 1-based): chr7:94,409,603, G>T. VCF-style: chr7-94409603-G-T. GRCh37 (hg19) VCF-style: chr7-94038915-G-T.
Other names: short protein forms A311S.
Identifiers: ClinVar variation 4790758 (VCV004790758.1).

ClinVar aggregate classification (germline): Uncertain significance (1 of 4 stars; one submission).

Conditions:
Ehlers-Danlos syndrome, classic type, 1 (EDSCL1). Also called: EHLERS-DANLOS SYNDROME, GRAVIS TYPE; EHLERS-DANLOS SYNDROME, SEVERE CLASSIC TYPE; Ehlers-Danlos syndrome, type 1; Ehlers-Danlos Syndrome, Classic Type, COL5A1-Related; EDS I. Identifiers: MedGen C0268335, MONDO:0019567, OMIM 130000.
Osteogenesis imperfecta type I (OI1). Also called: OI, TYPE I; OSTEOGENESIS IMPERFECTA TARDA; OSTEOGENESIS IMPERFECTA WITH BLUE SCLERAE; Osteogenesis imperfecta type 1; Lobstein's Disease; Lobstein disease. Identifiers: Orphanet 216796, Orphanet 666, MedGen C0023931, MONDO:0008146, OMIM 166200. Disease mechanism: loss of function.

Submission:

Labcorp Genetics (formerly Invitae), Labcorp
Classification: Uncertain significance for Osteogenesis imperfecta type I; Ehlers-Danlos syndrome, classic type, 1. Last evaluated: 2025-11-04. Review status: criteria provided, single submitter. Criteria: Invitae Variant Classification Sherloc (09022015). Collection method: clinical testing. Allele origin: germline.
Comment: This sequence change replaces alanine, which is neutral and non-polar, with serine, which is neutral and polar, at codon 311 of the COL1A2 protein (p.Ala311Ser). This variant is not present in population databases (gnomAD no frequency). This variant has not been reported in the literature in individuals affected with COL1A2-related conditions. Invitae Evidence Modeling of protein sequence and biophysical properties (such as structural, functional, and spatial information, amino acid conservation, physicochemical variation, residue mobility, and thermodynamic stability) indicates that this missense variant is not expected to disrupt COL1A2 protein function with a negative predictive value of 95%. In summary, the available evidence is currently insufficient to determine the role of this variant in disease. Therefore, it has been classified as a Variant of Uncertain Significance.